The following is an entry in ClinVar:

NM_015135.3(NUP205):c.3888T>C (p.Ala1296=)

Gene: NUP205 (nucleoporin 205; plus strand). Cytogenetic location: 7q33.
Variant type: single nucleotide variant.
Coding change: c.3888T>C on transcript NM_015135.3 (MANE Select); coding-DNA position 3888, T replaced by C.
Protein change: p.Ala1296=; no amino-acid change (alanine 1296 retained).
Molecular consequence: synonymous variant.
Genome position (GRCh38, 1-based): chr7:135,618,528, T>C. VCF-style: chr7-135618528-T-C. GRCh37 (hg19) VCF-style: chr7-135303276-T-C.
Other names: c.2814T>C, p.Ala938= (NM_001329434.2).
Identifiers: ClinVar variation 2658007 (VCV002658007.24), dbSNP rs1273065705, ClinGen allele CA457925355.
Genomic context (GRCh38, chr7:135,618,528, plus strand): 5'-TCATGCAAAACGTCATGCTCTGGAGTCGTGGAGGCAACTAGTAGAAATTATACTGACAGC[T>C]TGTCCCCAGGACCTCATTCAGGCAGAGGATCGACAACTGATTATTCGTGATATTTTACAA-3'
Protein context (NP_055950.2, residues 1286-1306): WRQLVEIILT[Ala1296=]CPQDLIQAED

ClinVar aggregate classification (germline): Likely benign (1 of 4 stars; one submission).

Allele frequency attached by ClinVar (database versions not stated): gnomAD exomes 0.00001; TOPMed 0.00001; gnomAD 0.00002.
gnomAD v4.1: 20 of 1,613,982 alleles (0.0012%); highest among the groups gnomAD compares: Non-Finnish European, 0.0017%; no homozygotes.

Submission:

CeGaT Center for Human Genetics Tuebingen
Classification: Likely benign. Last evaluated: 2022-06-01. Review status: criteria provided, single submitter. Criteria: CeGaT Center For Human Genetics Tuebingen Variant Classification Criteria Version 2. Collection method: clinical testing. Allele origin: germline. Affected: yes. Observed: 1 variant allele.
Comment: NUP205: BP4, BP7